The following is an entry in ClinVar:

NM_144670.6(A2ML1):c.3450G>A (p.Met1150Ile)

Gene: A2ML1 (alpha-2-macroglobulin like 1; plus strand). Cytogenetic location: 12p13.31.
Variant type: single nucleotide variant.
Coding change: c.3450G>A on transcript NM_144670.6 (MANE Select); coding-DNA position 3450, G replaced by A.
Protein change: p.Met1150Ile; replaces methionine 1150 with isoleucine.
Molecular consequence: missense variant.
Genome position (GRCh38, 1-based): chr12:8,861,245, G>A. VCF-style: chr12-8861245-G-A. GRCh37 (hg19) VCF-style: chr12-9013841-G-A.
Other names: c.1977G>A, p.Met659Ile (NM_001282424.3); short protein forms M1150I, M659I.
Identifiers: ClinVar variation 3229204 (VCV003229204.1), dbSNP rs774477885, ClinGen allele CA6436385.

ClinVar aggregate classification (germline): Uncertain significance (1 of 4 stars; one submission).

Allele frequency attached by ClinVar (database versions not stated): ExAC 0.00001; gnomAD exomes 0.00001.

Submission:

Ambry Genetics
Classification: Uncertain significance. Last evaluated: 2023-09-25. Review status: criteria provided, single submitter. Criteria: Ambry Variant Classification Scheme 2023. Collection method: clinical testing. Allele origin: germline.
Comment: The p.M1150I variant (also known as c.3450G>A), located in coding exon 28 of the A2ML1 gene, results from a G to A substitution at nucleotide position 3450. The methionine at codon 1150 is replaced by isoleucine, an amino acid with highly similar properties. This amino acid position is conserved. In addition, this alteration is predicted to be tolerated by in silico analysis. Since supporting evidence is limited at this time, the clinical significance of this alteration remains unclear.